The following is an entry in ClinVar:

ClinVar aggregate classification (germline): Uncertain significance (1 of 4 stars; one submission).

Submission:

GeneDx
Classification: Uncertain significance. Last evaluated: 2024-04-02. Review status: criteria provided, single submitter. Criteria: GeneDx Variant Classification Process June 2021. Collection method: clinical testing. Allele origin: germline. Affected: yes.
Comment: Not observed at significant frequency in large population cohorts (gnomAD); In silico analysis supports that this missense variant has a deleterious effect on protein structure/function; Has not been previously published as pathogenic or benign to our knowledge; Also known as 2033A>T; This variant is associated with the following publications: (PMID: 15343273)

NM_007294.4(BRCA1):c.1914A>T (p.Glu638Asp)

Gene: BRCA1 (BRCA1 DNA repair associated; minus strand). Cytogenetic location: 17q21.31.
Variant type: single nucleotide variant.
Coding change: c.1914A>T on transcript NM_007294.4 (MANE Select); coding-DNA position 1914, A replaced by T.
Protein change: p.Glu638Asp; replaces glutamic acid 638 with aspartic acid.
Molecular consequence: missense variant. On other transcripts: intron variant (137).
Genome position (GRCh38, 1-based): chr17:43,093,617, T>A on the plus strand (A>T on the coding strand, the complement: BRCA1 is on the minus strand). VCF-style: chr17-43093617-T-A. GRCh37 (hg19) VCF-style: chr17-41245634-T-A.
Other names: c.1650A>T, p.Glu550Asp (NM_001407925.1, NM_001407926.1, NM_001407927.1 and 9 more transcripts); c.1647A>T, p.Glu549Asp (NM_001407930.1, NM_001407931.1, NM_001407932.1 and 2 more transcripts); c.1791A>T, p.Glu597Asp (NM_001407937.1, NM_001407938.1, NM_001407939.1 and 19 more transcripts); c.1788A>T, p.Glu596Asp (NM_001407940.1, NM_001407941.1, NM_001407649.1 and 11 more transcripts); c.1773A>T, p.Glu591Asp (NM_001407942.1, NM_001407944.1, NM_001407945.1 and 29 more transcripts); c.1770A>T, p.Glu590Asp (NM_001407943.1, NM_001407964.1, NM_001407740.1 and 20 more transcripts); c.1581A>T, p.Glu527Asp (NM_001407946.1, NM_001407947.1, NM_001407948.1 and 6 more transcripts); c.1578A>T, p.Glu526Asp (NM_001407954.1, NM_001407955.1, NM_001407956.1 and 1 more transcripts); and 40 more; short protein forms E342D, E470D, E510D, E511D, E526D, E527D, E549D, E550D.
Identifiers: ClinVar variation 3362166 (VCV003362166.1).